The following is an entry in ClinVar:

ClinVar aggregate classification (germline): Uncertain significance. Review status: criteria provided, multiple submitters, no conflicts (2 of 4 stars). 2 submissions from 2 submitters: Uncertain significance (2). Last evaluated 2022-02-04.

Conditions:
Epidermolysis bullosa simplex 5C, with pyloric atresia (EBS5C). Also called: PLEC1-Related Epidermolysis Bullosa with Pyloric Atresia; Epidermolysis bullosa simplex with pyloric atresia; PLEC-Related Epidermolysis Bullosa with Pyloric Atresia. Identifiers: Orphanet 158684, MedGen C2677349, MONDO:0012807, OMIM 612138.
Autosomal recessive limb-girdle muscular dystrophy type 2Q (LGMDR17). Also called: MUSCULAR DYSTROPHY, LIMB-GIRDLE, AUTOSOMAL RECESSIVE 17. Identifiers: Orphanet 254361, MedGen C3150989, MONDO:0013390, OMIM 613723.
Epidermolysis bullosa simplex with nail dystrophy (EBS5D). Identifiers: MedGen C4225309, MONDO:0014661, OMIM 616487.
Epidermolysis bullosa simplex 5B, with muscular dystrophy (EBS5B). Also called: Epidermolysis bullosa simplex with muscular dystrophy; EPIDERMOLYSIS BULLOSA SIMPLEX AND LIMB-GIRDLE MUSCULAR DYSTROPHY. Identifiers: Orphanet 257, MedGen C2931072, MONDO:0009181, OMIM 226670.
Epidermolysis bullosa simplex, Ogna type (EBS5A). Also called: EPIDERMOLYSIS BULLOSA SIMPLEX 5A, OGNA TYPE; Pidermolysis bullosa simplex 5A, Ogna type. Identifiers: Orphanet 79401, MedGen C0432317, MONDO:0007555, OMIM 131950.

Submissions (2):

Labcorp Genetics (formerly Invitae), Labcorp
Classification: Uncertain significance for Autosomal recessive limb-girdle muscular dystrophy type 2Q; Epidermolysis bullosa simplex, Ogna type; Epidermolysis bullosa simplex with nail dystrophy; Epidermolysis bullosa simplex 5C, with pyloric atresia; Epidermolysis bullosa simplex 5B, with muscular dystrophy. Last evaluated: 2022-02-04. Review status: criteria provided, single submitter. Criteria: Invitae Variant Classification Sherloc (09022015). Collection method: clinical testing. Allele origin: germline.
Comment: In summary, the available evidence is currently insufficient to determine the role of this variant in disease. Therefore, it has been classified as a Variant of Uncertain Significance. Algorithms developed to predict the effect of missense changes on protein structure and function (SIFT, PolyPhen-2, Align-GVGD) all suggest that this variant is likely to be disruptive. ClinVar contains an entry for this variant (Variation ID: 843137). This variant has not been reported in the literature in individuals affected with PLEC-related conditions. This variant is not present in population databases (gnomAD no frequency). This sequence change replaces aspartic acid, which is acidic and polar, with histidine, which is basic and polar, at codon 4299 of the PLEC protein (p.Asp4299His).

Revvity Omics, Revvity
Classification: Uncertain significance. Last evaluated: 2020-12-08. Review status: criteria provided, single submitter. Criteria: ACMG Guidelines, 2015. Collection method: clinical testing. Allele origin: germline.

NM_201384.3(PLEC):c.12814G>C (p.Asp4272His)

Gene: PLEC (plectin; minus strand). Cytogenetic location: 8q24.3.
Variant type: single nucleotide variant.
Coding change: c.12814G>C on transcript NM_201384.3 (MANE Select); coding-DNA position 12814, G replaced by C.
Protein change: p.Asp4272His; replaces aspartic acid 4272 with histidine.
Molecular consequence: missense variant.
Genome position (GRCh38, 1-based): chr8:143,917,007, C>G on the plus strand (G>C on the coding strand, the complement: PLEC is on the minus strand). VCF-style: chr8-143917007-C-G. GRCh37 (hg19) VCF-style: chr8-144991175-C-G.
Other names: c.12895G>C, p.Asp4299His (NM_000445.5); c.12772G>C, p.Asp4258His (NM_201378.4); c.12748G>C, p.Asp4250His (NM_201379.3); c.13225G>C, p.Asp4409His (NM_201380.4); c.12718G>C, p.Asp4240His (NM_201381.3); c.12814G>C, p.Asp4272His (NM_201382.4); c.12826G>C, p.Asp4276His (NM_201383.3); c.12895G>C (NM_000445.3); short protein forms D4250H, D4409H, D4258H, D4272H, D4240H, D4276H, D4299H.
Identifiers: ClinVar variation 843137 (VCV000843137.17), dbSNP rs1820781719, ClinGen allele CA372478635.